The following is an entry in ClinVar:

ClinVar aggregate classification (germline): Uncertain significance. Review status: criteria provided, multiple submitters, no conflicts (2 of 4 stars). 2 submissions from 2 submitters: Uncertain significance (2). Last evaluated 2025-03-08.

Conditions:
Gorlin syndrome. Also called: Nevoid Basal Cell Carcinoma Syndrome; Basal cell nevus syndrome. Identifiers: Orphanet 377, MedGen C0004779, MONDO:0007187.

Allele frequency attached by ClinVar (database versions not stated): gnomAD exomes 0.00001.

Submissions (2):

Ambry Genetics
Classification: Uncertain significance. Last evaluated: 2025-03-08. Review status: criteria provided, single submitter. Criteria: Ambry Variant Classification Scheme 2023. Collection method: clinical testing. Allele origin: germline.

Labcorp Genetics (formerly Invitae), Labcorp
Classification: Uncertain significance for Gorlin syndrome. Last evaluated: 2022-12-06. Review status: criteria provided, single submitter. Criteria: Invitae Variant Classification Sherloc (09022015). Collection method: clinical testing. Allele origin: germline.
Comment: This variant has not been reported in the literature in individuals affected with PTCH2-related conditions. This variant is not present in population databases (gnomAD no frequency). This sequence change replaces leucine, which is neutral and non-polar, with phenylalanine, which is neutral and non-polar, at codon 85 of the PTCH2 protein (p.Leu85Phe). In summary, the available evidence is currently insufficient to determine the role of this variant in disease. Therefore, it has been classified as a Variant of Uncertain Significance. Advanced modeling of protein sequence and biophysical properties (such as structural, functional, and spatial information, amino acid conservation, physicochemical variation, residue mobility, and thermodynamic stability) performed at Invitae indicates that this missense variant is expected to disrupt PTCH2 protein function.

NM_003738.5(PTCH2):c.253C>T (p.Leu85Phe)

Gene: PTCH2 (patched 2; minus strand). Cytogenetic location: 1p34.1.
Variant type: single nucleotide variant.
Coding change: c.253C>T on transcript NM_003738.5 (MANE Select); coding-DNA position 253, C replaced by T.
Protein change: p.Leu85Phe; replaces leucine 85 with phenylalanine.
Molecular consequence: missense variant.
Genome position (GRCh38, 1-based): chr1:44,841,859, G>A on the plus strand (C>T on the coding strand, the complement: PTCH2 is on the minus strand). VCF-style: chr1-44841859-G-A. GRCh37 (hg19) VCF-style: chr1-45307531-G-A.
Other names: c.253C>T, p.Leu85Phe (NM_001166292.2); c.253C>T (NM_003738.4); short protein forms L85F.
Identifiers: ClinVar variation 2192898 (VCV002192898.5), dbSNP rs958883980, ClinGen allele CA21759438.